The following is an entry in ClinVar:

NM_001042492.3(NF1):c.3293C>G (p.Ala1098Gly)

Gene: NF1 (neurofibromin 1; plus strand). Cytogenetic location: 17q11.2.
Variant type: single nucleotide variant.
Coding change: c.3293C>G on transcript NM_001042492.3 (MANE Select); coding-DNA position 3293, C replaced by G.
Protein change: p.Ala1098Gly; replaces alanine 1098 with glycine.
Molecular consequence: missense variant.
Genome position (GRCh38, 1-based): chr17:31,232,168, C>G. VCF-style: chr17-31232168-C-G. GRCh37 (hg19) VCF-style: chr17-29559186-C-G.
Other names: c.3293C>G, p.Ala1098Gly (NM_000267.4); short protein forms A1098G.
Identifiers: ClinVar variation 4615807 (VCV004615807.1).
Genomic context (GRCh38, chr17:31,232,168, plus strand): 5'-CACTTCTAGCTGGTCTCCCTCTGCAGCCTGAAGAAGGAGATGGTGTGGAATTGATGGAAG[C>G]CAAATCACAGTTATTTCTTAAGTAAATTTCAGTCACCAAAAAACATAAAGCAAAAAGCAA-3'
Protein context (NP_001035957.1, residues 1088-1108): EEGDGVELME[Ala1098Gly]KSQLFLKYFT

ClinVar aggregate classification (germline): Uncertain significance (1 of 4 stars; one submission).

Conditions:
Cardiovascular phenotype. Identifiers: MedGen CN230736.
Hereditary cancer-predisposing syndrome. Also called: Neoplastic Syndromes, Hereditary; Tumor predisposition; Hereditary Cancer Syndrome; Hereditary neoplastic syndrome. Identifiers: Orphanet 140162, MedGen C0027672, MeSH D009386, MONDO:0015356.

Submission:

Ambry Genetics
Classification: Uncertain significance for Cardiovascular phenotype; Hereditary cancer-predisposing syndrome. Last evaluated: 2025-12-03. Review status: criteria provided, single submitter. Criteria: Ambry Variant Classification Scheme 2023. Collection method: clinical testing. Allele origin: germline.
Comment: The p.A1098G variant (also known as c.3293C>G), located in coding exon 25 of the NF1 gene, results from a C to G substitution at nucleotide position 3293. The alanine at codon 1098 is replaced by glycine, an amino acid with similar properties. This amino acid position is conserved. In addition, the in silico prediction for this alteration is inconclusive. Based on the available evidence, the clinical significance of this variant remains unclear.